The following is an entry in ClinVar:

ClinVar aggregate classification (germline): Uncertain significance (1 of 4 stars; one submission).

Submission:

Labcorp Genetics (formerly Invitae), Labcorp
Classification: Uncertain significance. Last evaluated: 2024-10-14. Review status: criteria provided, single submitter. Criteria: Invitae Variant Classification Sherloc (09022015). Collection method: clinical testing. Allele origin: germline.
Comment: This variant, c.496_504dup, results in the insertion of 3 amino acid(s) of the DHX37 protein (p.Glu166_Glu168dup), but otherwise preserves the integrity of the reading frame. This variant is not present in population databases (gnomAD no frequency). This variant has not been reported in the literature in individuals affected with DHX37-related conditions. In summary, the available evidence is currently insufficient to determine the role of this variant in disease. Therefore, it has been classified as a Variant of Uncertain Significance.

NM_032656.4(DHX37):c.478GAG[12] (p.Glu168_Ser169insGluGluGlu)

Gene: DHX37 (DEAH-box helicase 37; minus strand). Cytogenetic location: 12q24.31.
Variant type: Microsatellite.
Coding change: c.478GAG[12] on transcript NM_032656.4 (MANE Select); 12 copies in a row of the 3-base unit GAG starting at c.478; the reference has nine copies in a row; three copies, 9 bases duplicated.
Protein change: p.Glu168_Ser169insGluGluGlu.
Molecular consequence: inframe insertion.
Genome position (GRCh38, 1-based): chr12:124,980,724-124,980,732, CTCCTCCTC duplicated on the plus strand (GAGGAGGAG on the coding strand, the reverse complement: DHX37 is on the minus strand); duplicating any 9 consecutive bases within chr12:124,980,724-124,980,750 gives the same sequence; the position shown is the placement nearest the transcript's 3' end. VCF-style (leftmost placement, unchanged base first): chr12-124980723-A-ACTCCTCCTC. GRCh37 (hg19) VCF-style: chr12-125465269-A-ACTCCTCCTC.
Identifiers: ClinVar variation 2181490 (VCV002181490.4), dbSNP rs376470858, ClinGen allele CA952919708.